The following is an entry in ClinVar:

ClinVar aggregate classification (germline): Uncertain significance (1 of 4 stars; one submission).

Conditions:
Mitochondrial myopathy-cerebellar ataxia-pigmentary retinopathy syndrome. Also called: MYOPATHY, MITOCHONDRIAL, AND ATAXIA. Identifiers: Orphanet 502423, MedGen C4540096, MONDO:0044714, OMIM 617675.

gnomAD v4.1: 9 of 1,613,806 alleles (0.00056%); highest among the groups gnomAD compares: East Asian, 0.0067%; no homozygotes.

Submission:

3billion
Classification: Uncertain significance for Mitochondrial myopathy-cerebellar ataxia-pigmentary retinopathy syndrome. Last evaluated: 2024-06-20. Review status: criteria provided, single submitter. Criteria: ACMG Guidelines, 2015. Collection method: clinical testing. Allele origin: germline. Affected: yes.
Comment: The variant is observed at an extremely low frequency in the gnomAD v4.0.0 dataset (total allele frequency: <0.001%). Predicted Consequence/Location: Missense variant Therefore, this variant is classified as VUS according to the recommendation of ACMG/AMP guideline.

NM_018116.4(MSTO1):c.1316C>T (p.Ala439Val)

Gene: MSTO1 (misato mitochondrial distribution and morphology regulator 1; plus strand). Cytogenetic location: 1q22.
Variant type: single nucleotide variant.
Coding change: c.1316C>T on transcript NM_018116.4 (MANE Select); coding-DNA position 1316, C replaced by T.
Protein change: p.Ala439Val; replaces alanine 439 with valine.
Molecular consequence: missense variant. On other transcripts: synonymous variant (3), non-coding transcript variant (6).
Genome position (GRCh38, 1-based): chr1:155,613,494, C>T. VCF-style: chr1-155613494-C-T. GRCh37 (hg19) VCF-style: chr1-155583285-C-T.
Other names: c.1316C>T, p.Ala439Val (NM_001256532.1, NM_001256533.1, NM_001350772.1 and 1 more transcripts); c.1353C>T, p.Cys451= (NM_001350773.1, NM_001350774.1); c.1151C>T, p.Ala384Val (NM_001350776.1); c.785C>T, p.Ala262Val (NM_001350777.1, NM_001350778.1, NM_001350779.1); c.782C>T, p.Ala261Val (NM_001350780.1, NM_001350781.1, NM_001350782.1 and 2 more transcripts); c.773C>T, p.Ala258Val (NM_001350784.1, NM_001350785.1, NM_001350787.1 and 1 more transcripts); c.819C>T, p.Cys273= (NM_001350786.1); short protein forms A258V, A261V, A262V, A384V, A439V.
Identifiers: ClinVar variation 4292246 (VCV004292246.1).
Genomic context (GRCh38, chr1:155,613,494, plus strand): 5'-AATGGTGGTTTTGGCTTTGTTCTGGCAGCCAGCTCACCCCAGGGACACCTCCACCCTCTG[C>T]CCTTCATGCATGTACCACTGGGGAAGAAATCTTGGCTCAGTATTTACAACAGCAGCAGCC-3'
Protein context (NP_060586.2, residues 429-449): QLTPGTPPPS[Ala439Val]LHACTTGEEI